The following is an entry in ClinVar:

ClinVar aggregate classification (germline): Benign. Review status: criteria provided, single submitter (1 of 4 stars). 2 submissions from 2 submitters: Benign (1). 1 of the submissions does not count toward it. Last evaluated 2023-11-01.

Conditions:
GLS-related disorder. Also called: GLS-related condition.

Submissions (2):

CeGaT Center for Human Genetics Tuebingen
Classification: Benign. Last evaluated: 2023-11-01. Review status: criteria provided, single submitter. Criteria: CeGaT Center For Human Genetics Tuebingen Variant Classification Criteria Version 2. Collection method: clinical testing. Allele origin: germline. Affected: yes. Observed: 4 variant alleles.
Comment: GLS: BS1, BS2

PreventionGenetics, part of Exact Sciences
Classification: Likely benign for GLS-related condition. Last evaluated: 2024-08-29. Review status: no assertion criteria provided. Collection method: clinical testing. Allele origin: germline. Not counted in ClinVar's aggregate classification.
Comment: This variant is classified as likely benign based on ACMG/AMP sequence variant interpretation guidelines (Richards et al. 2015 PMID: 25741868, with internal and published modifications).

NM_014905.5(GLS):c.-212GCA[21]

Genes: GLS (glutaminase; plus strand), LOC129935268 (ATAC-STARR-seq lymphoblastoid silent region 12186; plus strand). Cytogenetic location: 2q32.2.
Variant type: Microsatellite.
Coding change: c.-212GCA[21] on transcript NM_014905.5 (MANE Select); 21 copies in a row of the 3-base unit GCA starting at c.-212; the reference has 16 copies in a row; five copies, 15 bases duplicated.
Molecular consequence: 5 prime UTR variant.
Genome position (GRCh38, 1-based): chr2:190,880,906-190,880,920, GCAGCAGCAGCAGCA duplicated; duplicating any 15 consecutive bases within chr2:190,880,873-190,880,920 gives the same sequence; the position shown is the placement nearest the transcript's 3' end. VCF-style (leftmost placement, unchanged base first): chr2-190880872-C-CGCAGCAGCAGCAGCA. GRCh37 (hg19) VCF-style: chr2-191745598-C-CGCAGCAGCAGCAGCA.
Other names: c.-179_-165dup15 (NM_014905.4); c.-212GCA[21] (NM_001256310.2).
Identifiers: ClinVar variation 1879513 (VCV001879513.29), dbSNP rs57674096, ClinGen allele CA430329453.
Genomic context (GRCh38, chr2:190,880,872, plus strand): 5'-TTTAGCCTCAGTGCGGAGCCTTAGGCGGAGCGAAGAGAACCGGTCGCGGCAATCCTAGCG[C>CGCAGCAGCAGCAGCA]GCAGCAGCAGCAGCAGCAGCAGCAGCAGCAGCAGCAGCAGCAGCAGCACCCGCATCCGCT-3'